The following is an entry in ClinVar:

ClinVar aggregate classification (germline): Likely pathogenic (1 of 4 stars; one submission).

Conditions:
Megaconial type congenital muscular dystrophy (MDCMC). Also called: CHKB-Related Muscle Diseases; MUSCULAR DYSTROPHY, CONGENITAL, WITH MITOCHONDRIAL STRUCTURAL ABNORMALITIES; CHKB-Related Muscular Dystrophy. Identifiers: Orphanet 280671, MedGen C1865233, MONDO:0011246, OMIM 602541.

Submission:

3billion
Classification: Likely pathogenic for Megaconial type congenital muscular dystrophy. Last evaluated: 2024-07-12. Review status: criteria provided, single submitter. Criteria: ACMG Guidelines, 2015. Collection method: clinical testing. Allele origin: germline. Affected: yes.
Comment: The variant is not observed in the gnomAD v4.0.0 dataset. Predicted Consequence/Location: Stop-gained (nonsense): predicted to result in a loss or disruption of normal protein function through protein truncation. The predicted truncated protein may be shortened by more than 10%. Therefore, this variant is classified as Likely pathogenic according to the recommendation of ACMG/AMP guideline.

NM_005198.5(CHKB):c.1068G>A (p.Trp356Ter)

Genes: CHKB (choline kinase beta; minus strand), CHKB-CPT1B (CHKB-CPT1B readthrough (NMD candidate); minus strand). Cytogenetic location: 22q13.33.
Variant type: single nucleotide variant.
Coding change: c.1068G>A on transcript NM_005198.5 (MANE Select); coding-DNA position 1068, G replaced by A.
Protein change: p.Trp356Ter; replaces tryptophan 356 with a stop codon.
Molecular consequence: nonsense. On other transcripts: non-coding transcript variant (1).
Genome position (GRCh38, 1-based): chr22:50,579,471, C>T on the plus strand (G>A on the coding strand, the complement: CHKB is on the minus strand). VCF-style: chr22-50579471-C-T. GRCh37 (hg19) VCF-style: chr22-51017900-C-T.
Other names: short protein forms W356*.
Identifiers: ClinVar variation 4292857 (VCV004292857.1).